The following is an entry in ClinVar:

ClinVar aggregate classification (germline): Uncertain significance (1 of 4 stars; one submission).

Conditions:
Brugada syndrome 8 (BRGDA8). Identifiers: Orphanet 130, MedGen C2751083, MONDO:0013148, OMIM 613123.

Allele frequency attached by ClinVar (database versions not stated): TOPMed below 0.00001.
gnomAD v4.1: 1 of 1,422,128 alleles (0.00007%); highest among the groups gnomAD compares: Non-Finnish European, 0.000091%; no homozygotes.

Submission:

Labcorp Genetics (formerly Invitae), Labcorp
Classification: Uncertain significance for Brugada syndrome 8. Last evaluated: 2026-02-01. Review status: criteria provided, single submitter. Criteria: Invitae Variant Classification Sherloc (09022015). Collection method: clinical testing. Allele origin: germline.
Comment: This sequence change replaces glycine, which is neutral and non-polar, with arginine, which is basic and polar, at codon 83 of the HCN4 protein (p.Gly83Arg). This variant is not present in population databases (gnomAD no frequency). This variant has not been reported in the literature in individuals affected with HCN4-related conditions. ClinVar contains an entry for this variant (Variation ID: 846869). Invitae Evidence Modeling of protein sequence and biophysical properties (such as structural, functional, and spatial information, amino acid conservation, physicochemical variation, residue mobility, and thermodynamic stability) indicates that this missense variant is not expected to disrupt HCN4 protein function with a negative predictive value of 95%. In summary, the available evidence is currently insufficient to determine the role of this variant in disease. Therefore, it has been classified as a Variant of Uncertain Significance.

NM_005477.3(HCN4):c.247G>C (p.Gly83Arg)

Gene: HCN4 (hyperpolarization activated cyclic nucleotide gated potassium channel 4; minus strand). Cytogenetic location: 15q24.1.
Variant type: single nucleotide variant.
Coding change: c.247G>C on transcript NM_005477.3 (MANE Select); coding-DNA position 247, G replaced by C.
Protein change: p.Gly83Arg; replaces glycine 83 with arginine.
Molecular consequence: missense variant.
Genome position (GRCh38, 1-based): chr15:73,368,024, C>G on the plus strand (G>C on the coding strand, the complement: HCN4 is on the minus strand). VCF-style: chr15-73368024-C-G. GRCh37 (hg19) VCF-style: chr15-73660365-C-G.
Other names: short protein forms G83R.
Identifiers: ClinVar variation 846869 (VCV000846869.9), dbSNP rs2043137577, ClinGen allele CA393098602.
Genomic context (GRCh38, chr15:73,368,024, plus strand): 5'-GCGAGGCCAGGCTCCCGCGGAAGCGCCTGCAGTCGCCGTTCGTGCTGGACTTGCCCGCGC[C>G]GCGGGCCGGCCCTTCGCTGTCCGCTGCCCCGAGGGCCGAGCTCCGGGACTCCGTGCCACC-3'
Protein context (NP_005468.1, residues 73-93): GAADSEGPAR[Gly83Arg]AGKSSTNGDC